The following is an entry in ClinVar:

ClinVar aggregate classification (germline): Conflicting classifications of pathogenicity. Review status: criteria provided, conflicting classifications (1 of 4 stars). 9 submissions from 9 submitters: Uncertain significance (4); Likely benign (2). 3 of the submissions do not count toward it. Last evaluated 2025-12-10.

Conditions:
Hereditary cancer-predisposing syndrome. Also called: Neoplastic Syndromes, Hereditary; Tumor predisposition; Hereditary Cancer Syndrome; Hereditary neoplastic syndrome. Identifiers: Orphanet 140162, MedGen C0027672, MeSH D009386, MONDO:0015356.
Malignant tumor of breast. Also called: Malignant breast neoplasm; Cancer breast. Identifiers: MedGen C0006142, MONDO:0007254. Disease mechanism: loss of function.
Hereditary breast ovarian cancer syndrome. Also called: Hereditary breast and ovarian cancer syndrome; Hereditary breast and ovarian cancer; Hereditary breast and ovarian cancer syndrome (HBOC); Breast and ovarian cancer; Hereditary breast and/or ovarian cancer syndrome; BRCA1- and BRCA2-Associated Hereditary Breast and Ovarian Cancer. Identifiers: Orphanet 145, MedGen C0677776, MeSH D061325, MONDO:0003582. Disease mechanism: loss of function.
Breast-ovarian cancer, familial, susceptibility to, 2 (BROVCA2). Also called: BRCA2 Hereditary Breast and Ovarian Cancer. Identifiers: Orphanet 145, MedGen C2675520, MONDO:0012933, OMIM 612555. Disease mechanism: loss of function.
Breast and/or ovarian cancer. Identifiers: MedGen CN221562.

Submissions (9):

Labcorp Genetics (formerly Invitae), Labcorp
Classification: Likely benign for Hereditary breast ovarian cancer syndrome. Last evaluated: 2025-12-10. Review status: criteria provided, single submitter. Criteria: Invitae Variant Classification Sherloc (09022015). Collection method: clinical testing. Allele origin: germline.

Ambry Genetics
Classification: Uncertain significance for Hereditary cancer-predisposing syndrome. Last evaluated: 2025-11-13. Review status: criteria provided, single submitter. Criteria: Ambry Variant Classification Scheme 2023. Collection method: clinical testing. Allele origin: germline.
Comment: The c.2860_2862delGAG variant (also known as p.E954del) is located in coding exon 10 of the BRCA2 gene. This variant results from an in-frame GAG deletion at nucleotide positions 2860 to 2862. This results in the in-frame deletion of a glutamic acid at codon 954. This amino acid position is not well conserved in available vertebrate species. In addition, this alteration is predicted to be deleterious by in silico analysis (Choi Y et al. PLoS ONE. 2012; 7(10):e46688). Based on the available evidence, the clinical significance of this variant remains unclear.

St. Jude Molecular Pathology, St. Jude Children's Research Hospital
Classification: Uncertain significance for Breast-ovarian cancer, familial, susceptibility to, 2. Last evaluated: 2025-06-17. Review status: criteria provided, single submitter. Criteria: St. Jude Assertion Criteria 2020. Collection method: clinical testing. Allele origin: germline.
Comment: The BRCA2 c.2860_2862del p.(Glu954del) change deletes three nucleotides at position 2860-2862 resulting in an in-frame deletion of one amino acid at codon 954. This variant has a maximum subpopulation frequency of 0.0009% in gnomAD v2.1.1. This variant was reported in a high-risk breast and/or ovarian cancer family who also had a pathogenic BRCA1 variant (PMID: 16905680). In summary, the evidence currently available is insufficient to determine the clinical significance of this variant. It has therefore been classified as of uncertain significance.

GeneDx
Classification: Uncertain significance. Last evaluated: 2022-11-08. Review status: criteria provided, single submitter. Criteria: GeneDx Variant Classification Process June 2021. Collection method: clinical testing. Allele origin: germline. Affected: yes.
Comment: In-frame deletion of one amino acid in a non-repeat region; Not observed at significant frequency in large population cohorts (gnomAD); Observed in an individual from a family at high risk for Hereditary Breast and Ovarian Cancer syndrome who also harbored a pathogenic BRCA1 variant (Simard et al., 2007); In silico analysis supports a deleterious effect on protein structure/function; Also known as 3088_3090delGAG; This variant is associated with the following publications: (PMID: 23929434, 16905680)

CHEO Genetics Diagnostic Laboratory, Children's Hospital of Eastern Ontario
Classification: Uncertain significance for Breast and/or ovarian cancer. Last evaluated: 2020-12-18. Review status: criteria provided, single submitter. Criteria: ACMG Guidelines, 2015. Collection method: clinical testing. Allele origin: germline.

Color Diagnostics, LLC DBA Color Health
Classification: Likely benign for Hereditary cancer-predisposing syndrome. Last evaluated: 2017-01-26. Review status: criteria provided, single submitter. Criteria: ACMG Guidelines, 2015. Collection method: clinical testing. Allele origin: germline.

Counsyl
Classification: Uncertain significance for Breast-ovarian cancer, familial, susceptibility to, 2. Last evaluated: 2016-09-06. Review status: no assertion criteria provided. Collection method: clinical testing. Allele origin: unknown. Not counted in ClinVar's aggregate classification.

Breast Cancer Information Core (BIC) (BRCA2)
Classification: Uncertain significance for Breast-ovarian cancer, familial 2. Last evaluated: 2003-12-23. Review status: no assertion criteria provided. Collection method: clinical testing. Allele origin: germline. Affected: yes. Observed: 1 variant allele. Not counted in ClinVar's aggregate classification.

Department of Pathology and Laboratory Medicine, Sinai Health System
Classification: Uncertain significance for Malignant tumor of breast. Review status: no assertion criteria provided. Collection method: clinical testing. Allele origin: unknown. Affected: yes. Study: The Canadian Open Genetics Repository (COGR). Not counted in ClinVar's aggregate classification.

Literature cited by the submitters: PubMed 16905680 (cited by Ambry Genetics).

NM_000059.4(BRCA2):c.2857GAG[1] (p.Glu954del)

Gene: BRCA2 (BRCA2 DNA repair associated; plus strand). Cytogenetic location: 13q13.1.
Variant type: Microsatellite.
Coding change: c.2857GAG[1] on transcript NM_000059.4 (MANE Select); one copy of the 3-base unit GAG starting at c.2857; the reference has two copies in a row; one copy, 3 bases deleted.
Protein change: p.Glu954del; deletes glutamic acid 954.
Molecular consequence: inframe deletion.
Genome position (GRCh38, 1-based): chr13:32,337,215-32,337,217, GAG deleted; deleting any 3 consecutive bases within chr13:32,337,212-32,337,217 gives the same sequence; the position shown is the placement nearest the transcript's 3' end. VCF-style (leftmost placement, unchanged base first): chr13-32337211-AGAG-A. GRCh37 (hg19) VCF-style: chr13-32911348-AGAG-A.
Other names: c.2860_2862delGAG (NM_000059.3); short protein forms E954del.
Identifiers: ClinVar variation 51362 (VCV000051362.31), dbSNP rs80359360, ClinGen allele CA016637.
Genomic context (GRCh38, chr13:32,337,211, plus strand): 5'-CACAGGTGATAAACAAGCAACCCAAGTGTCAATTAAAAAAGATTTGGTTTATGTTCTTGC[AGAG>A]GAGAACAAAAATAGTGTAAAGCAGCATATAAAAATGACTCTAGGTCAAGATTTAAAATCG-3'